The following is an entry in ClinVar:

NM_001005242.3(PKP2):c.1955A>G (p.Asn652Ser)

Gene: PKP2 (plakophilin 2; minus strand). Cytogenetic location: 12p11.21.
Variant type: single nucleotide variant.
Coding change: c.1955A>G on transcript NM_001005242.3 (MANE Select); coding-DNA position 1955, A replaced by G.
Protein change: p.Asn652Ser; replaces asparagine 652 with serine.
Molecular consequence: missense variant.
Genome position (GRCh38, 1-based): chr12:32,821,414, T>C on the plus strand (A>G on the coding strand, the complement: PKP2 is on the minus strand). VCF-style: chr12-32821414-T-C. GRCh37 (hg19) VCF-style: chr12-32974348-T-C.
Other names: c.2087A>G, p.Asn696Ser (NM_004572.4); c.1955A>G (NM_001005242.2); short protein forms N696S, N652S.
Identifiers: ClinVar variation 192128 (VCV000192128.35), dbSNP rs140852019, ClinGen allele CA011695.
Genomic context (GRCh38, chr12:32,821,414, plus strand): 5'-ACTGGTCCACTTCCGGCCGTGAGGTTCTGCAGAGCTCCTAAGGATGCTTCTTGTGTGTAG[T>C]TGCGGACACTTTTGGCGATCAAGGACAGATACATCCTTATAACAATGGAATGCCACAGCC-3'
Protein context (NP_001005242.2, residues 642-662): YLSLIAKSVR[Asn652Ser]YTQEASLGAL

ClinVar aggregate classification (germline): Conflicting classifications of pathogenicity. Review status: criteria provided, conflicting classifications (1 of 4 stars). 13 submissions from 13 submitters: Uncertain significance (2); Likely benign (8). 3 of the submissions do not count toward it. Last evaluated 2026-05-11.

Conditions:
PKP2-related disorder. Also called: PKP2-related condition.
Cardiovascular phenotype. Identifiers: MedGen CN230736.
Cardiomyopathy (CMYO). Also called: Cardiomyopathies. Identifiers: Orphanet 167848, MedGen C0878544, MONDO:0004994, HP:0001638. Inheritance: Various modes of inheritance.
Arrhythmogenic right ventricular dysplasia 9 (ARVD9). Also called: Arrhythmogenic Right Ventricular Dysplasia/Cardiomyopathy 9; ARRHYTHMOGENIC RIGHT VENTRICULAR DYSPLASIA, FAMILIAL, 9. Identifiers: MedGen C1836906, MONDO:0012180, OMIM 609040.

Allele frequency attached by ClinVar (database versions not stated): 1000 Genomes Project 30x 0.00031; ESP Exome Variant Server 0.00069; gnomAD exomes 0.00016 and 0.00005; gnomAD 0.00054 and 0.00060; ExAC 0.00017; 1000 Genomes Project 0.00040; TOPMed 0.00050.
gnomAD v4.1: 154 of 1,614,146 alleles (0.0095%); highest among the groups gnomAD compares: African/African-American, 0.18%; no homozygotes.

Submissions (13):

Women's Health and Genetics/Laboratory Corporation of America, LabCorp
Classification: Likely benign. Last evaluated: 2026-05-11. Review status: criteria provided, single submitter. Criteria: LabCorp Variant Classification Summary - May 2015. Collection method: clinical testing. Allele origin: germline.
Comment: Variant summary: PKP2 c.2087A>G (p.Asn696Ser) results in a conservative amino acid change in the encoded protein sequence. Algorithms developed to predict the effect of missense changes on protein structure and function are either unavailable or do not agree on the potential impact of this missense change. The variant allele was found at a frequency of 0.00016 in 251418 control chromosomes, predominantly at a frequency of 0.0019 within the African or African-American subpopulation in the gnomAD database. The observed variant frequency within African or African-American control individuals in the gnomAD database exceeds the estimated maximal expected allele frequency for disease-causing variants in PKP2. To our knowledge, no occurrence of c.2087A>G in individuals affected with PKP2-related conditions and no experimental evidence demonstrating its impact on protein function have been reported. ClinVar contains an entry for this variant (Variation ID: 192128). Based on the evidence outlined above, the variant was classified as likely benign.

Labcorp Genetics (formerly Invitae), Labcorp
Classification: Likely benign for Arrhythmogenic right ventricular dysplasia 9. Last evaluated: 2026-01-19. Review status: criteria provided, single submitter. Criteria: Invitae Variant Classification Sherloc (09022015). Collection method: clinical testing. Allele origin: germline.

Molecular Diagnostic Laboratory for Inherited Cardiovascular Disease, Montreal Heart Institute
Classification: Likely benign. Last evaluated: 2025-04-09. Review status: criteria provided, single submitter. Criteria: ACMG Guidelines, 2015. Collection method: clinical testing. Allele origin: germline. Affected: no.

GeneDx
Classification: Likely benign. Last evaluated: 2019-10-23. Review status: criteria provided, single submitter. Criteria: GeneDx Variant Classification Process June 2021. Collection method: clinical testing. Allele origin: germline. Affected: yes.

Color Diagnostics, LLC DBA Color Health
Classification: Likely benign for Cardiomyopathy. Last evaluated: 2018-11-23. Review status: criteria provided, single submitter. Criteria: ACMG Guidelines, 2015. Collection method: clinical testing. Allele origin: germline.

Ambry Genetics
Classification: Likely benign for Cardiovascular phenotype. Last evaluated: 2018-08-31. Review status: criteria provided, single submitter. Criteria: Ambry Variant Classification Scheme 2023. Collection method: clinical testing. Allele origin: germline.

Illumina Laboratory Services, Illumina
Classification: Uncertain significance for Arrhythmogenic right ventricular dysplasia 9. Last evaluated: 2018-01-12. Review status: criteria provided, single submitter. Criteria: ICSL Variant Classification Criteria 13 December 2019. Collection method: clinical testing. Allele origin: germline.

Laboratory for Molecular Medicine, Mass General Brigham Personalized Medicine
Classification: Likely benign. Last evaluated: 2017-07-27. Review status: criteria provided, single submitter. Criteria: LMM Criteria. Collection method: clinical testing. Allele origin: germline. Observed: 1 variant allele.
Comment: p.Asn696Ser in exon 10 of PKP2: This variant is not expected to have clinical si gnificance due to a lack of conservation across species, including mammals. Of n ote, bat, microbat, big brown bat, star nose mole, armadillo, and platypus have a Ser at this position despite high nearby amino acid conservation. In addition, computational prediction tools do not suggest a high likelihood of impact to th e protein. It has also been identified in 0.2% (44/24032) of African chromosomes by the Genome Aggregation Database (gnomAD; d bSNP rs140852019).

CHEO Genetics Diagnostic Laboratory, Children's Hospital of Eastern Ontario
Classification: Uncertain significance for Cardiomyopathy. Last evaluated: 2016-08-02. Review status: criteria provided, single submitter. Criteria: ACMG Guidelines, 2015. Collection method: clinical testing. Allele origin: germline. Study: Canadian Open Genetics Repository.

Biesecker Lab/Clinical Genomics Section, National Institutes of Health
Classification: Likely benign. Last evaluated: 2013-06-24. Review status: criteria provided, single submitter. Criteria: Ng et al. (Circ Cardiovasc Genet. 2013). Collection method: research. Allele origin: unknown. Observed: 3 variant alleles. Study: ClinSeq.
Comment: The study set was not selected for affection status in relation to any cancer. Pathogenicity categories were based on literature curation. See Pubmed ID:23861362 for details.

Medical sequencing

PreventionGenetics, part of Exact Sciences
Classification: Likely benign for PKP2-related condition. Last evaluated: 2022-03-28. Review status: no assertion criteria provided. Collection method: clinical testing. Allele origin: germline. Not counted in ClinVar's aggregate classification.
Comment: This variant is classified as likely benign based on ACMG/AMP sequence variant interpretation guidelines (Richards et al. 2015 PMID: 25741868, with internal and published modifications).

Clinical Genetics, Academic Medical Center
Classification: Likely benign. Review status: no assertion criteria provided. Collection method: clinical testing. Allele origin: germline. Affected: yes. Study: VKGL Data-share Consensus. Not counted in ClinVar's aggregate classification.

Genome Diagnostics Laboratory, University Medical Center Utrecht
Classification: Likely benign. Review status: no assertion criteria provided. Collection method: clinical testing. Allele origin: germline. Affected: yes. Study: VKGL Data-share Consensus. Not counted in ClinVar's aggregate classification.

Literature cited by the submitters: PubMed 23861362 (cited by Ambry Genetics and Laboratory for Molecular Medicine, Mass General Brigham Personalized Medicine).